The following is an entry in ClinVar:

ClinVar aggregate classification (germline): Uncertain significance (1 of 4 stars; one submission).

Conditions:
Neurofibromatosis, type 1 (NF1). Also called: VON RECKLINGHAUSEN DISEASE; NEUROFIBROMATOSIS, TYPE I, SOMATIC; Neurofibromatosis, type I; Peripheral type neurofibromatosis. Identifiers: Orphanet 636, MedGen C0027831, MONDO:0018975, OMIM 162200. Disease mechanism: loss of function.

gnomAD v4.1: 2 of 1,611,974 alleles (0.00012%); highest among the groups gnomAD compares: East Asian, 0.0022%; no homozygotes.

Submission:

Labcorp Genetics (formerly Invitae), Labcorp
Classification: Uncertain significance for Neurofibromatosis, type 1. Last evaluated: 2023-01-15. Review status: criteria provided, single submitter. Criteria: Invitae Variant Classification Sherloc (09022015). Collection method: clinical testing. Allele origin: germline.
Comment: In summary, the available evidence is currently insufficient to determine the role of this variant in disease. Therefore, it has been classified as a Variant of Uncertain Significance. Advanced modeling of protein sequence and biophysical properties (such as structural, functional, and spatial information, amino acid conservation, physicochemical variation, residue mobility, and thermodynamic stability) performed at Invitae indicates that this missense variant is not expected to disrupt NF1 protein function. This variant has not been reported in the literature in individuals affected with NF1-related conditions. This variant is present in population databases (no rsID available, gnomAD 0.006%). This sequence change replaces serine, which is neutral and polar, with phenylalanine, which is neutral and non-polar, at codon 858 of the NF1 protein (p.Ser858Phe).

NM_001042492.3(NF1):c.2573C>T (p.Ser858Phe)

Gene: NF1 (neurofibromin 1; plus strand). Cytogenetic location: 17q11.2.
Variant type: single nucleotide variant.
Coding change: c.2573C>T on transcript NM_001042492.3 (MANE Select); coding-DNA position 2573, C replaced by T.
Protein change: p.Ser858Phe; replaces serine 858 with phenylalanine.
Molecular consequence: missense variant.
Genome position (GRCh38, 1-based): chr17:31,229,188, C>T. VCF-style: chr17-31229188-C-T. GRCh37 (hg19) VCF-style: chr17-29556206-C-T.
Other names: c.2573C>T, p.Ser858Phe (NM_000267.4); short protein forms S858F.
Identifiers: ClinVar variation 2827340 (VCV002827340.3), dbSNP rs369493270, ClinGen allele CA398984349.